The following is an entry in ClinVar:

ClinVar aggregate classification (germline): Uncertain significance (1 of 4 stars; one submission).

gnomAD v4.1: 1 of 1,612,548 alleles (0.000062%); highest among the groups gnomAD compares: Non-Finnish European, 0.000085%; no homozygotes.

Submission:

Ambry Genetics
Classification: Uncertain significance. Last evaluated: 2025-08-07. Review status: criteria provided, single submitter. Criteria: Ambry Variant Classification Scheme 2023. Collection method: clinical testing. Allele origin: germline.
Comment: The p.A1229T variant (also known as c.3685G>A), located in coding exon 15 of the WNK2 gene, results from a G to A substitution at nucleotide position 3685. The alanine at codon 1229 is replaced by threonine, an amino acid with similar properties. This amino acid position is conserved. In addition, the in silico prediction for this alteration is inconclusive. Based on the available evidence, the clinical significance of this variant remains unclear.

NM_006648.4(WNK2):c.3685G>A (p.Ala1229Thr)

Gene: WNK2 (WNK lysine deficient protein kinase 2; plus strand). Cytogenetic location: 9q22.31.
Variant type: single nucleotide variant.
Coding change: c.3685G>A on transcript NM_006648.4 (MANE Select); coding-DNA position 3685, G replaced by A.
Protein change: p.Ala1229Thr; replaces alanine 1229 with threonine.
Molecular consequence: missense variant.
Genome position (GRCh38, 1-based): chr9:93,264,022, G>A. VCF-style: chr9-93264022-G-A. GRCh37 (hg19) VCF-style: chr9-96026304-G-A.
Other names: c.3685G>A, p.Ala1229Thr (NM_001282394.3); short protein forms A1229T.
Identifiers: ClinVar variation 4201713 (VCV004201713.1).